The following is an entry in ClinVar:

ClinVar aggregate classification (germline): Uncertain significance. Review status: criteria provided, multiple submitters, no conflicts (2 of 4 stars). 2 submissions from 2 submitters: Uncertain significance (2). Last evaluated 2024-01-17.

Conditions:
Cardiovascular phenotype. Identifiers: MedGen CN230736.
RASopathy. Also called: rasopathies; Noonan spectrum disorder. Identifiers: Orphanet 536391, MedGen C5555857, MONDO:0021060.

Allele frequency attached by ClinVar (database versions not stated): gnomAD exomes below 0.00001.
gnomAD v4.1: 1 of 1,611,242 alleles (0.000062%); highest among the groups gnomAD compares: Admixed American, 0.0017%; no homozygotes.

Submissions (2):

Ambry Genetics
Classification: Uncertain significance for Cardiovascular phenotype. Last evaluated: 2024-01-17. Review status: criteria provided, single submitter. Criteria: Ambry Variant Classification Scheme 2023. Collection method: clinical testing. Allele origin: germline.
Comment: The p.I1171V variant (also known as c.3511A>G) is located in coding exon 23 of the SOS1 gene. The isoleucine at codon 1171 is replaced by valine, an amino acid with highly similar properties. This change occurs in the first base pair of coding exon 23. This amino acid position is conserved. In addition, this alteration is predicted to be tolerated by in silico analysis. Based on the available evidence, the clinical significance of this alteration remains unclear.

Labcorp Genetics (formerly Invitae), Labcorp
Classification: Uncertain significance for RASopathy. Last evaluated: 2023-06-24. Review status: criteria provided, single submitter. Criteria: Invitae Variant Classification Sherloc (09022015). Collection method: clinical testing. Allele origin: germline.
Comment: In summary, the available evidence is currently insufficient to determine the role of this variant in disease. Therefore, it has been classified as a Variant of Uncertain Significance. An algorithm developed to predict the effect of missense changes on protein structure and function (PolyPhen-2) suggests that this variant is likely to be tolerated. This variant has not been reported in the literature in individuals affected with SOS1-related conditions. This variant is not present in population databases (gnomAD no frequency). This sequence change replaces isoleucine, which is neutral and non-polar, with valine, which is neutral and non-polar, at codon 1171 of the SOS1 protein (p.Ile1171Val).

NM_005633.4(SOS1):c.3511A>G (p.Ile1171Val)

Gene: SOS1 (SOS Ras/Rac guanine nucleotide exchange factor 1; minus strand). Cytogenetic location: 2p22.1.
Variant type: single nucleotide variant.
Coding change: c.3511A>G on transcript NM_005633.4 (MANE Select); coding-DNA position 3511, A replaced by G.
Protein change: p.Ile1171Val; replaces isoleucine 1171 with valine.
Molecular consequence: missense variant.
Genome position (GRCh38, 1-based): chr2:38,986,315, T>C on the plus strand (A>G on the coding strand, the complement: SOS1 is on the minus strand). VCF-style: chr2-38986315-T-C. GRCh37 (hg19) VCF-style: chr2-39213456-T-C.
Other names: c.3490A>G, p.Ile1164Val (NM_001382394.1); c.3466A>G, p.Ile1156Val (NM_001382395.1); short protein forms I1171V, I1156V, I1164V.
Identifiers: ClinVar variation 2786094 (VCV002786094.4), dbSNP rs2528873027, ClinGen allele CA346362992.